The following is an entry in ClinVar:

NM_000038.6(APC):c.4404_4418delinsC (p.Lys1468fs)

Gene: APC (APC regulator of Wnt signaling pathway; plus strand). Cytogenetic location: 5q22.2.
Variant type: Indel.
Coding change: c.4404_4418delinsC on transcript NM_000038.6 (MANE Select); coding-DNA positions 4404 to 4418, GCAAGCTGCAGTAAA replaced by C.
Protein change: p.Lys1468fs; shifts the reading frame from lysine 1468.
Molecular consequence: frameshift variant.
Genome position (GRCh38, 1-based): chr5:112,839,998-112,840,012, GCAAGCTGCAGTAAA replaced by C. VCF-style: chr5-112839998-GCAAGCTGCAGTAAA-C. GRCh37 (hg19) VCF-style: chr5-112175695-GCAAGCTGCAGTAAA-C.
Other names: c.4404_4418delinsC, p.Lys1468fs (NM_001127510.3, NM_001354895.2); c.4350_4364delinsC, p.Lys1450fs (NM_001127511.3); c.4458_4472delinsC, p.Lys1486fs (NM_001354896.2); c.4434_4448delinsC, p.Lys1478fs (NM_001354897.2); c.4329_4343delinsC, p.Lys1443fs (NM_001354898.2); c.4320_4334delinsC, p.Lys1440fs (NM_001354899.2); c.4281_4295delinsC, p.Lys1427fs (NM_001354900.2); c.4227_4241delinsC, p.Lys1409fs (NM_001354901.2); and 5 more; short protein forms K1308fs, K1342fs, K1185fs, K1367fs, K1427fs, K1443fs, K1486fs, K1377fs.
Identifiers: ClinVar variation 411550 (VCV000411550.6), dbSNP rs1064792980, ClinGen allele CA16611673.

ClinVar aggregate classification (germline): Pathogenic. Review status: criteria provided, multiple submitters, no conflicts (2 of 4 stars). 2 submissions from 2 submitters: Pathogenic (2). Last evaluated 2023-05-10.

Conditions:
Familial adenomatous polyposis 1 (FAP1). Also called: FAMILIAL ADENOMATOUS POLYPOSIS 1, ATTENUATED; POLYPOSIS, ADENOMATOUS INTESTINAL. Identifiers: MedGen C2713442, MONDO:0021056, OMIM 175100. Disease mechanism: loss of function.

Submissions (2):

Myriad Genetics, Inc.
Classification: Pathogenic for Familial adenomatous polyposis 1. Last evaluated: 2023-05-10. Review status: criteria provided, single submitter. Criteria: Myriad Autosomal Dominant, Autosomal Recessive and X-Linked Classification Criteria (2023). Collection method: clinical testing. Allele origin: unknown.
Comment: This variant is considered pathogenic. This variant creates a frameshift predicted to result in premature protein truncation.

Labcorp Genetics (formerly Invitae), Labcorp
Classification: Pathogenic for Familial adenomatous polyposis 1. Last evaluated: 2016-09-12. Review status: criteria provided, single submitter. Criteria: Invitae Variant Classification Sherloc (09022015). Collection method: clinical testing. Allele origin: germline.
Comment: This sequence change deletes 18 nucleotide and inserts 1 nucleotide in exon 16 of the APC mRNA (c.4404_4418delinsC), causing a frameshift at codon 1348. This creates a premature translational stop signal in the last exon of the APC mRNA (p.Gln1469Cysfs*13). While this is not anticipated to result in nonsense mediated decay, it is expected to result in a truncated APC protein by eliminating over 1400 amino acid residues (~50%) from the full length protein. . While this particular variant has not been reported in the literature, truncating variants in APC are known to be pathogenic (PMID: 20685668, 17963004). For these reasons, this variant has been classified as Pathogenic.

Literature cited by the submitters: PubMed 20685668 (cited by Labcorp Genetics (formerly Invitae), Labcorp); PubMed 17963004 (cited by Labcorp Genetics (formerly Invitae), Labcorp).